The following is an entry in ClinVar:

ClinVar aggregate classification (germline): Uncertain significance. Review status: criteria provided, multiple submitters, no conflicts (2 of 4 stars). 2 submissions from 2 submitters: Uncertain significance (2). Last evaluated 2024-05-16.

Conditions:
Hereditary nonpolyposis colorectal neoplasms. Identifiers: MedGen C0009405, MeSH D003123.
Hereditary cancer-predisposing syndrome. Also called: Neoplastic Syndromes, Hereditary; Tumor predisposition; Hereditary Cancer Syndrome; Hereditary neoplastic syndrome. Identifiers: Orphanet 140162, MedGen C0027672, MeSH D009386, MONDO:0015356.

Allele frequency attached by ClinVar (database versions not stated): gnomAD exomes below 0.00001.

Submissions (2):

Ambry Genetics
Classification: Uncertain significance for Hereditary cancer-predisposing syndrome. Last evaluated: 2024-05-16. Review status: criteria provided, single submitter. Criteria: Ambry Variant Classification Scheme 2023. Collection method: clinical testing. Allele origin: germline.
Comment: The p.K234E variant (also known as c.700A>G), located in coding exon 6 of the PMS2 gene, results from an A to G substitution at nucleotide position 700. The lysine at codon 234 is replaced by glutamic acid, an amino acid with similar properties. This amino acid position is conserved. In addition, this alteration is predicted to be deleterious by in silico analysis. Based on the available evidence, the clinical significance of this variant remains unclear.

Labcorp Genetics (formerly Invitae), Labcorp
Classification: Uncertain significance for Hereditary nonpolyposis colorectal neoplasms. Last evaluated: 2017-11-23. Review status: criteria provided, single submitter. Criteria: Invitae Variant Classification Sherloc (09022015). Collection method: clinical testing. Allele origin: germline.
Comment: In summary, the available evidence is currently insufficient to determine the role of this variant in disease. Therefore, it has been classified as a Variant of Uncertain Significance. Algorithms developed to predict the effect of missense changes on protein structure and function (SIFT, PolyPhen-2, Align-GVGD) all suggest that this variant is likely to be disruptive, but these predictions have not been confirmed by published functional studies and their clinical significance is uncertain. This variant has not been reported in the literature in individuals with PMS2-related disease. This variant is not present in population databases (ExAC no frequency). This sequence change replaces lysine with glutamic acid at codon 234 of the PMS2 protein (p.Lys234Glu). The lysine residue is highly conserved and there is a small physicochemical difference between lysine and glutamic acid.

NM_000535.7(PMS2):c.700A>G (p.Lys234Glu)

Gene: PMS2 (PMS1 homolog 2, mismatch repair system component; minus strand). Cytogenetic location: 7p22.1.
Variant type: single nucleotide variant.
Coding change: c.700A>G on transcript NM_000535.7 (MANE Select); coding-DNA position 700, A replaced by G.
Protein change: p.Lys234Glu; replaces lysine 234 with glutamic acid.
Molecular consequence: missense variant. On other transcripts: 5 prime UTR variant (2), non-coding transcript variant (1), intron variant (1).
Genome position (GRCh38, 1-based): chr7:5,999,113, T>C on the plus strand (A>G on the coding strand, the complement: PMS2 is on the minus strand). VCF-style: chr7-5999113-T-C. GRCh37 (hg19) VCF-style: chr7-6038744-T-C.
Other names: c.295A>G, p.Lys99Glu (NM_001322003.2, NM_001322004.2, NM_001322005.2 and 2 more transcripts); c.700A>G, p.Lys234Glu (NM_001322006.2, NM_001322014.2); c.382A>G, p.Lys128Glu (NM_001322007.2, NM_001322008.2); c.-234A>G (NM_001322011.2, NM_001322012.2); c.391A>G, p.Lys131Glu (NM_001322015.2); c.133-1690A>G (NM_001322013.2); short protein forms K234E, K99E, K131E, K128E.
Identifiers: ClinVar variation 525779 (VCV000525779.9), dbSNP rs1554302295, ClinGen allele CA366743819.